The following is an entry in ClinVar:

ClinVar aggregate classification (germline): Pathogenic/Likely pathogenic. Review status: criteria provided, multiple submitters, no conflicts (2 of 4 stars). 8 submissions from 8 submitters: Pathogenic (3); Likely pathogenic (5). Last evaluated 2026-07-28.

Conditions:
Ehlers-Danlos syndrome, type 4 (EDSVASC). Also called: Ehlers-Danlos syndrome vascular type; Ehlers Danlos syndrome, ecchymotic type; Ehlers Danlos syndrome, arterial type; Ehlers Danlos syndrome, Sack-Barabas type; Ehlers-Danlos Syndrome Type IV. Identifiers: Orphanet 286, MedGen C0268338, MONDO:0017314, OMIM 130050.
Familial thoracic aortic aneurysm and aortic dissection (TAAD). Also called: Thoracic aortic aneurysms and dissections. Identifiers: Orphanet 91387, MedGen C4707243, MONDO:0019625.

Submissions (8):

GeneDx
Classification: Pathogenic. Last evaluated: 2026-07-28. Review status: criteria provided, single submitter. Criteria: GeneDx Variant Classification Process June 2021. Collection method: clinical testing. Allele origin: germline.
Comment: Not observed at significant frequency in large population cohorts (gnomAD); Occurs in the triple helical domain and replaces the glycine in the canonical Gly-X-Y repeat; missense substitution of a canonical glycine residue is expected to disrupt normal protein folding and function, and this is an established mechanism of disease (HGMD); In silico analysis supports that this missense variant has a deleterious effect on protein structure/function; This variant is associated with the following publications: (PMID: 31126764, 39020067, 39486665, 31353273, 9036918, 10706896))

Labcorp Genetics (formerly Invitae), Labcorp
Classification: Likely pathogenic for Ehlers-Danlos syndrome, type 4. Last evaluated: 2025-11-28. Review status: criteria provided, single submitter. Criteria: Invitae Variant Classification Sherloc (09022015). Collection method: clinical testing. Allele origin: germline.
Comment: This sequence change replaces glycine, which is neutral and non-polar, with arginine, which is basic and polar, at codon 342 of the COL3A1 protein (p.Gly342Arg). This variant is not present in population databases (gnomAD no frequency). This missense change has been observed in individual(s) with clinical features of Ehlers-Danlos syndrome (PMID: 31126764, 36318936). ClinVar contains an entry for this variant (Variation ID: 199715). Invitae Evidence Modeling of protein sequence and biophysical properties (such as structural, functional, and spatial information, amino acid conservation, physicochemical variation, residue mobility, and thermodynamic stability) indicates that this missense variant is expected to disrupt COL3A1 protein function with a positive predictive value of 95%. This variant disrupts the triple helix domain of COL3A1. Glycine residues within the Gly-Xaa-Yaa repeats of the triple helix domain are required for the structure and stability of fibrillar collagens (PMID: 7695699, 8218237, 19344236). In COL3A1, variants that affect these glycine residues are significantly enriched in individuals with disease (PMID: 24922459, 25758994) compared to the general population (ExAC). In summary, the currently available evidence indicates that the variant is pathogenic, but additional data are needed to prove that conclusively. Therefore, this variant has been classified as Likely Pathogenic.

Color Diagnostics, LLC DBA Color Health
Classification: Likely pathogenic for Familial thoracic aortic aneurysm and aortic dissection. Last evaluated: 2025-08-25. Review status: criteria provided, single submitter. Criteria: ACMG Guidelines, 2015. Collection method: clinical testing. Allele origin: germline.
Comment: This missense variant replaces glycine with arginine at codon 342 of the COL3A1 protein. This variant alters a conserved Glycien residue in the Gly-Xaa-Yaa repeats of the triple helix domain of the COL3A1 protein (a.a. 168-1196) (PMID: 15365990, 24922459, 25758994). Computational prediction suggests that this variant may have deleterious impact on protein structure and function. This variant has been reported in individuals affected with vascular Ehlers-Danlos syndrome (PMID: 31126764, 36318936, 38623759). This variant has not been identified in the general population by the Genome Aggregation Database (gnomAD). Based on the available evidence, this variant is classified as Likely Pathogenic.

Ambry Genetics
Classification: Likely pathogenic for Familial thoracic aortic aneurysm and aortic dissection. Last evaluated: 2025-08-07. Review status: criteria provided, single submitter. Criteria: Ambry Variant Classification Scheme 2023. Collection method: clinical testing. Allele origin: germline.
Comment: The c.1024G>A (p.G342R) alteration is located in exon 15 (coding exon 15) of the COL3A1 gene. This alteration results from a G to A substitution at nucleotide position 1024, causing the glycine (G) at amino acid position 342 to be replaced by an arginine (R). This variant was not reported in population-based cohorts in the Genome Aggregation Database (gnomAD). This variant was reported in individuals with features consistent with vascular Ehlers-Danlos syndrome (Kluivers, 2009; Shalhub, 2019). This amino acid position is highly conserved in available vertebrate species. The majority (approximately two-thirds) of COL3A1 mutations identified to date have involved the substitution of another amino acid for glycine within the triple-helical domain (Pepin, 2014; Frank, 2015). Internal structural analysis indicates that this alteration disrupts the characteristic G-X-Y motif in the COL3A1 protein and inserts a bulky side chain into a sterically-constrained region (Bella, 1994; Hohenester, 2008; Ambry internal data). This alteration is predicted to be deleterious by in silico analysis. Based on the available evidence, this alteration is classified as likely pathogenic.

Mayo Clinic Laboratories, Mayo Clinic
Classification: Pathogenic. Last evaluated: 2023-12-07. Review status: criteria provided, single submitter. Criteria: ACMG Guidelines, 2015. Collection method: clinical testing. Allele origin: germline. Observed: 1 variant allele.
Comment: PP2, PP3, PP4, PM1_strong, PM2, PS4_moderate

Neuberg Centre For Genomic Medicine, NCGM
Classification: Pathogenic for Ehlers-Danlos syndrome, type 4. Last evaluated: 2023-06-22. Review status: criteria provided, single submitter. Criteria: ACMG Guidelines, 2015. Collection method: clinical testing. Allele origin: germline. Inheritance: Autosomal dominant inheritance. Affected: yes.
Comment: The missense c.1024G>A(p.Gly342Arg) variant in COL3A1 gene has been reported in individual(s) affected with Ehlers-Danlos syndrome (Shalhub S, et. al.,2019). Experimental studies shows that this variant is expected to disrupt normal protein folding and function (Shalhub S, et. al.,2019). The p.Gly342Arg variant is absent in gnomAD Exomes. This variant has been submitted to the ClinVar database as Pathogenic/ Likely pathogenic (multiple submission). Multiple lines of computational evidence (Polyphen - Probably Damaging, SIFT - Damaging and MutationTaster - Disease causing) predict damaging effect on protein structure and function for this variant. The reference amino acid at this position in COL3A1 is predicted as conserved by GERP++ and PhyloP across 100 vertebrates. The amino acid Gly at position 342 is changed to a Arg changing protein sequence and it might alter its composition and physico-chemical properties. For these reasons, this variant has been classified as Pathogenic.

CeGaT Center for Human Genetics Tuebingen
Classification: Likely pathogenic. Last evaluated: 2019-06-01. Review status: criteria provided, single submitter. Criteria: CeGaT Center For Human Genetics Tuebingen Variant Classification Criteria Version 2. Collection method: clinical testing. Allele origin: germline. Affected: yes. Observed: 1 variant allele.

CHEO Genetics Diagnostic Laboratory, Children's Hospital of Eastern Ontario
Classification: Likely pathogenic for Familial thoracic aortic aneurysm and aortic dissection. Last evaluated: 2018-09-14. Review status: criteria provided, single submitter. Criteria: ACMG Guidelines, 2015. Collection method: clinical testing. Allele origin: germline.

Literature cited by the submitters: PubMed 31126764 (cited by 4 submitters); PubMed 36318936 (cited by 3 submitters); PubMed 7695699 (cited by Labcorp Genetics (formerly Invitae), Labcorp and Ambry Genetics); PubMed 8218237 (cited by Labcorp Genetics (formerly Invitae), Labcorp); PubMed 19344236 (cited by Labcorp Genetics (formerly Invitae), Labcorp); PubMed 24922459 (cited by 3 submitters); PubMed 25758994 (cited by 3 submitters); PubMed 15365990 (cited by Color Diagnostics, LLC DBA Color Health); PubMed 38623759 (cited by Color Diagnostics, LLC DBA Color Health); PubMed 19011090 (cited by Ambry Genetics); PubMed 19444361 (cited by Ambry Genetics).

NM_000090.4(COL3A1):c.1024G>A (p.Gly342Arg)

Gene: COL3A1 (collagen type III alpha 1 chain; plus strand). Cytogenetic location: 2q32.2.
Variant type: single nucleotide variant.
Coding change: c.1024G>A on transcript NM_000090.4 (MANE Select); coding-DNA position 1024, G replaced by A.
Protein change: p.Gly342Arg; replaces glycine 342 with arginine.
Molecular consequence: missense variant.
Genome position (GRCh38, 1-based): chr2:188,992,914, G>A. VCF-style: chr2-188992914-G-A. GRCh37 (hg19) VCF-style: chr2-189857640-G-A.
Other names: p.Gly342Arg; short protein forms G342R.
Identifiers: ClinVar variation 199715 (VCV000199715.65), dbSNP rs794728040, ClinGen allele CA004027.